The following is an entry in ClinVar:

ClinVar aggregate classification (germline): Uncertain significance (1 of 4 stars; one submission).

Submission:

Labcorp Genetics (formerly Invitae), Labcorp
Classification: Uncertain significance. Last evaluated: 2025-06-12. Review status: criteria provided, single submitter. Criteria: Invitae Variant Classification Sherloc (09022015). Collection method: clinical testing. Allele origin: germline.
Comment: This sequence change replaces proline, which is neutral and non-polar, with leucine, which is neutral and non-polar, at codon 712 of the COL4A4 protein (p.Pro712Leu). This variant is present in population databases (no rsID available, gnomAD 0.004%). This variant has not been reported in the literature in individuals affected with COL4A4-related conditions. ClinVar contains an entry for this variant (Variation ID: 1897753). Invitae Evidence Modeling of protein sequence and biophysical properties (such as structural, functional, and spatial information, amino acid conservation, physicochemical variation, residue mobility, and thermodynamic stability) indicates that this missense variant is not expected to disrupt COL4A4 protein function with a negative predictive value of 95%. In summary, the available evidence is currently insufficient to determine the role of this variant in disease. Therefore, it has been classified as a Variant of Uncertain Significance.

NM_000092.5(COL4A4):c.2135C>T (p.Pro712Leu)

Gene: COL4A4 (collagen type IV alpha 4 chain; minus strand). Cytogenetic location: 2q36.3.
Variant type: single nucleotide variant.
Coding change: c.2135C>T on transcript NM_000092.5 (MANE Select); coding-DNA position 2135, C replaced by T.
Protein change: p.Pro712Leu; replaces proline 712 with leucine.
Molecular consequence: missense variant.
Genome position (GRCh38, 1-based): chr2:227,060,165, G>A on the plus strand (C>T on the coding strand, the complement: COL4A4 is on the minus strand). VCF-style: chr2-227060165-G-A. GRCh37 (hg19) VCF-style: chr2-227924881-G-A.
Other names: short protein forms P712L.
Identifiers: ClinVar variation 1897753 (VCV001897753.4), dbSNP rs944601920, ClinGen allele CA66588598.